The following is an entry in ClinVar:

ClinVar aggregate classification (germline): Uncertain significance (1 of 4 stars; one submission).

Allele frequency attached by ClinVar (database versions not stated): gnomAD 0.00001; gnomAD exomes 0.00002; TOPMed 0.00002; ExAC 0.00007.
gnomAD v4.1: 32 of 1,613,688 alleles (0.002%); highest among the groups gnomAD compares: East Asian, 0.051%; no homozygotes.

Submission:

Labcorp Genetics (formerly Invitae), Labcorp
Classification: Uncertain significance. Last evaluated: 2022-09-02. Review status: criteria provided, single submitter. Criteria: Invitae Variant Classification Sherloc (09022015). Collection method: clinical testing. Allele origin: germline.
Comment: This sequence change replaces proline, which is neutral and non-polar, with leucine, which is neutral and non-polar, at codon 2082 of the PCLO protein (p.Pro2082Leu). This variant is present in population databases (rs761078619, gnomAD 0.1%). This variant has not been reported in the literature in individuals affected with PCLO-related conditions. Algorithms developed to predict the effect of missense changes on protein structure and function output the following: SIFT: "Tolerated"; PolyPhen-2: "Not Available"; Align-GVGD: "Class C0". The leucine amino acid residue is found in multiple mammalian species, which suggests that this missense change does not adversely affect protein function. In summary, the available evidence is currently insufficient to determine the role of this variant in disease. Therefore, it has been classified as a Variant of Uncertain Significance.

NM_033026.6(PCLO):c.6245C>T (p.Pro2082Leu)

Gene: PCLO (piccolo presynaptic cytomatrix protein; minus strand). Cytogenetic location: 7q21.11.
Variant type: single nucleotide variant.
Coding change: c.6245C>T on transcript NM_033026.6 (MANE Select); coding-DNA position 6245, C replaced by T.
Protein change: p.Pro2082Leu; replaces proline 2082 with leucine.
Molecular consequence: missense variant.
Genome position (GRCh38, 1-based): chr7:82,954,708, G>A on the plus strand (C>T on the coding strand, the complement: PCLO is on the minus strand). VCF-style: chr7-82954708-G-A. GRCh37 (hg19) VCF-style: chr7-82584024-G-A.
Other names: c.6245C>T, p.Pro2082Leu (NM_014510.3); short protein forms P2082L.
Identifiers: ClinVar variation 2413774 (VCV002413774.2), dbSNP rs761078619, ClinGen allele CA4320508.